The following is an entry in ClinVar:

ClinVar aggregate classification (germline): Uncertain significance. Review status: criteria provided, single submitter (1 of 4 stars). 2 submissions from 2 submitters: Uncertain significance (1). 1 of the submissions does not count toward it. Last evaluated 2023-12-27.

Conditions:
Inborn genetic diseases. Identifiers: MedGen C0950123, MeSH D030342.

Allele frequency attached by ClinVar (database versions not stated): gnomAD 0.00001 and 0.00002; gnomAD exomes 0.00002 and 0.00004; TOPMed 0.00008; ExAC 0.00009.
gnomAD v4.1: 40 of 1,613,996 alleles (0.0025%); highest among the groups gnomAD compares: East Asian, 0.071%; no homozygotes.

Submissions (2):

Ambry Genetics
Classification: Uncertain significance for Inborn genetic diseases. Last evaluated: 2023-12-27. Review status: criteria provided, single submitter. Criteria: Ambry Variant Classification Scheme 2023. Collection method: clinical testing. Allele origin: germline.

Department of Pathology and Laboratory Medicine, Sinai Health System
Classification: Uncertain significance. Review status: no assertion criteria provided. Collection method: clinical testing. Allele origin: unknown. Affected: yes. Study: The Canadian Open Genetics Repository (COGR). Not counted in ClinVar's aggregate classification.
Comment: The MSTO1 p.Thr431Ser variant was not identified in the literature nor was it identified in ClinVar, Cosmic, or LOVD 3.0. The variant was identified in dbSNP (ID: rs765144096) and in control databases in 11 of 282506 chromosomes at a frequency of 0.000039 (Genome Aggregation Database Feb 27, 2017). The variant was observed in the East Asian population in 11 of 19942 chromosomes (freq: 0.000552), but not observed in the African, Latino, Ashkenazi Jewish, European (Finnish), European (non-Finnish), Other, and South Asian populations. The p.Thr431 residue is not conserved in mammals and computational analyses (PolyPhen-2, SIFT, AlignGVGD, BLOSUM, MutationTaster) do not suggest a high likelihood of impact to the protein. The variant occurs outside of the splicing consensus sequence and three of four in silico or computational prediction software programs (SpliceSiteFinder, MaxEntScan, NNSPLICE, GeneSplicer) do not predict a greater than 10% difference in splicing. In summary, based on the above information the clinical significance of this variant cannot be determined with certainty at this time. This variant is classified as a variant of uncertain significance.

NM_018116.4(MSTO1):c.1291A>T (p.Thr431Ser)

Gene: MSTO1 (misato mitochondrial distribution and morphology regulator 1; plus strand). Cytogenetic location: 1q22.
Variant type: single nucleotide variant.
Coding change: c.1291A>T on transcript NM_018116.4 (MANE Select); coding-DNA position 1291, A replaced by T.
Protein change: p.Thr431Ser; replaces threonine 431 with serine.
Molecular consequence: missense variant. On other transcripts: non-coding transcript variant (6).
Genome position (GRCh38, 1-based): chr1:155,613,469, A>T. VCF-style: chr1-155613469-A-T. GRCh37 (hg19) VCF-style: chr1-155583260-A-T.
Other names: c.1291A>T, p.Thr431Ser (NM_001256532.1, NM_001256533.1, NM_001350772.1 and 1 more transcripts); c.1328A>T, p.His443Leu (NM_001350773.1, NM_001350774.1); c.1126A>T, p.Thr376Ser (NM_001350776.1); c.760A>T, p.Thr254Ser (NM_001350777.1, NM_001350778.1, NM_001350779.1); c.757A>T, p.Thr253Ser (NM_001350780.1, NM_001350781.1, NM_001350782.1 and 2 more transcripts); c.748A>T, p.Thr250Ser (NM_001350784.1, NM_001350785.1, NM_001350787.1 and 1 more transcripts); c.794A>T, p.His265Leu (NM_001350786.1); c.1291A>T (NM_018116.2); short protein forms H265L, H443L, T250S, T253S, T254S, T376S, T431S.
Identifiers: ClinVar variation 1049883 (VCV001049883.2), dbSNP rs765144096, ClinGen allele CA1148187.
Genomic context (GRCh38, chr1:155,613,469, plus strand): 5'-TTTCTTATTCATGCAGCCACAGACTAATGGTGGTTTTGGCTTTGTTCTGGCAGCCAGCTC[A>T]CCCCAGGGACACCTCCACCCTCTGCCCTTCATGCATGTACCACTGGGGAAGAAATCTTGG-3'
Protein context (NP_060586.2, residues 421-441): IDRACHTSQL[Thr431Ser]PGTPPPSALH